The following is an entry in ClinVar:

ClinVar aggregate classification (germline): Conflicting classifications of pathogenicity. Review status: criteria provided, conflicting classifications (1 of 4 stars). 2 submissions from 2 submitters: Uncertain significance (1); Likely benign (1). Last evaluated 2025-09-27.

Conditions:
BAP1-related tumor predisposition syndrome (TPDS1). Also called: Tumor susceptibility linked to germline BAP1 mutations; BAP1 tumor predisposition syndrome; TUMOR PREDISPOSITION SYNDROME 1; COMMON Syndrome. Identifiers: Orphanet 289539, MedGen C3280492, MONDO:0013692, OMIM 614327.
Hereditary cancer-predisposing syndrome. Also called: Tumor predisposition; Hereditary neoplastic syndrome; Neoplastic Syndromes, Hereditary; Hereditary Cancer Syndrome. Identifiers: Orphanet 140162, MedGen C0027672, MeSH D009386, MONDO:0015356.

Submissions (2):

Labcorp Genetics (formerly Invitae), Labcorp
Classification: Uncertain significance for BAP1-related tumor predisposition syndrome. Last evaluated: 2025-09-27. Review status: criteria provided, single submitter. Criteria: Invitae Variant Classification Sherloc (09022015). Collection method: clinical testing. Allele origin: germline.
Comment: This sequence change replaces aspartic acid, which is acidic and polar, with glutamic acid, which is acidic and polar, at codon 34 of the BAP1 protein (p.Asp34Glu). This variant is present in population databases (rs374877961, gnomAD 0.0009%). This variant has not been reported in the literature in individuals affected with BAP1-related conditions. ClinVar contains an entry for this variant (Variation ID: 3986856). Invitae Evidence Modeling of protein sequence and biophysical properties (such as structural, functional, and spatial information, amino acid conservation, physicochemical variation, residue mobility, and thermodynamic stability) indicates that this missense variant is expected to disrupt BAP1 protein function with a positive predictive value of 80%. In summary, the available evidence is currently insufficient to determine the role of this variant in disease. Therefore, it has been classified as a Variant of Uncertain Significance.

Ambry Genetics
Classification: Likely benign for Hereditary cancer-predisposing syndrome. Last evaluated: 2025-04-30. Review status: criteria provided, single submitter. Criteria: Ambry Variant Classification Scheme 2023. Collection method: clinical testing. Allele origin: germline.

Literature cited by the submitters: PubMed 38969833 (cited by Ambry Genetics).

NM_004656.4(BAP1):c.102C>G (p.Asp34Glu)

Gene: BAP1 (BRCA1 associated deubiquitinase 1; minus strand). Cytogenetic location: 3p21.1.
Variant type: single nucleotide variant.
Coding change: c.102C>G on transcript NM_004656.4 (MANE Select); coding-DNA position 102, C replaced by G.
Protein change: p.Asp34Glu; replaces aspartic acid 34 with glutamic acid.
Molecular consequence: missense variant.
Genome position (GRCh38, 1-based): chr3:52,409,574, G>C on the plus strand (C>G on the coding strand, the complement: BAP1 is on the minus strand). VCF-style: chr3-52409574-G-C. GRCh37 (hg19) VCF-style: chr3-52443590-G-C.
Other names: c.102C>G, p.Asp34Glu (NM_001410772.1); short protein forms D34E.
Identifiers: ClinVar variation 3986856 (VCV003986856.2).